The following is an entry in ClinVar:

ClinVar aggregate classification (germline): Uncertain significance (1 of 4 stars; one submission).

Conditions:
Inborn genetic diseases. Identifiers: MedGen C0950123, MeSH D030342.

Submission:

Ambry Genetics
Classification: Uncertain significance for Inborn genetic diseases. Last evaluated: 2025-10-11. Review status: criteria provided, single submitter. Criteria: Ambry Variant Classification Scheme 2023. Collection method: clinical testing. Allele origin: germline.
Comment: The p.E871Q variant (also known as c.2611G>C), located in coding exon 20 of the BUB1B gene, results from a G to C substitution at nucleotide position 2611. The glutamic acid at codon 871 is replaced by glutamine, an amino acid with highly similar properties. This amino acid position is conserved. In addition, this alteration is predicted to be tolerated by in silico analysis. Based on the available evidence, the clinical significance of this variant remains unclear.

NM_001211.6(BUB1B):c.2611G>C (p.Glu871Gln)

Gene: BUB1B (BUB1 mitotic checkpoint serine/threonine kinase B; plus strand). Cytogenetic location: 15q15.1.
Variant type: single nucleotide variant.
Coding change: c.2611G>C on transcript NM_001211.6 (MANE Select); coding-DNA position 2611, G replaced by C.
Protein change: p.Glu871Gln; replaces glutamic acid 871 with glutamine.
Molecular consequence: missense variant.
Genome position (GRCh38, 1-based): chr15:40,213,407, G>C. VCF-style: chr15-40213407-G-C. GRCh37 (hg19) VCF-style: chr15-40505608-G-C.
Other names: short protein forms E871Q.
Identifiers: ClinVar variation 4600372 (VCV004600372.1).